The following is an entry in ClinVar:

ClinVar aggregate classification (germline): Conflicting classifications of pathogenicity. Review status: criteria provided, conflicting classifications (1 of 4 stars). 9 submissions from 9 submitters: Uncertain significance (7); Likely benign (1). 1 of the submissions does not count toward it. Last evaluated 2025-06-15.

Conditions:
Connective tissue disorder. Also called: Connective tissue disease. Identifiers: MedGen C0009782, MONDO:0003900.
Aortic aneurysm, familial thoracic 7 (AAT7). Also called: AORTIC DISSECTION, FAMILIAL, WITH OR WITHOUT AORTIC ANEURYSM. Identifiers: MedGen C3151077, MONDO:0013418, OMIM 613780.
Familial thoracic aortic aneurysm and aortic dissection (TAAD). Also called: Thoracic aortic aneurysms and dissections. Identifiers: Orphanet 91387, MedGen C4707243, MONDO:0019625.

Allele frequency attached by ClinVar (database versions not stated): gnomAD exomes 0.00003 and 0.00001; TOPMed 0.00003; gnomAD 0.00004; ExAC 0.00001.
gnomAD v4.1: 29 of 1,614,102 alleles (0.0018%); highest among the groups gnomAD compares: Admixed American, 0.0067%; no homozygotes.

Submissions (9):

Labcorp Genetics (formerly Invitae), Labcorp
Classification: Uncertain significance for Aortic aneurysm, familial thoracic 7. Last evaluated: 2025-06-15. Review status: criteria provided, single submitter. Criteria: Invitae Variant Classification Sherloc (09022015). Collection method: clinical testing. Allele origin: germline.
Comment: This sequence change replaces arginine, which is basic and polar, with glutamine, which is neutral and polar, at codon 40 of the MYLK protein (p.Arg40Gln). This variant is present in population databases (rs767877538, gnomAD 0.01%). This missense change has been observed in individual(s) with clinical features of thoracic aortic aneurysm and dissection (internal data). ClinVar contains an entry for this variant (Variation ID: 374965). Invitae Evidence Modeling of protein sequence and biophysical properties (such as structural, functional, and spatial information, amino acid conservation, physicochemical variation, residue mobility, and thermodynamic stability) indicates that this missense variant is not expected to disrupt MYLK protein function with a negative predictive value of 95%. Algorithms developed to predict the effect of sequence changes on RNA splicing suggest that this variant may create or strengthen a splice site. In summary, the available evidence is currently insufficient to determine the role of this variant in disease. Therefore, it has been classified as a Variant of Uncertain Significance.

Blueprint Genetics
Classification: Likely benign. Last evaluated: 2024-11-06. Review status: criteria provided, single submitter. Criteria: ACMG Guidelines, 2015. Collection method: clinical testing. Allele origin: germline.

Clinical Genomics Laboratory, Washington University in St. Louis
Classification: Uncertain significance for Aortic aneurysm, familial thoracic 7. Last evaluated: 2024-10-17. Review status: criteria provided, single submitter. Criteria: ACMG Guidelines, 2015. Collection method: clinical testing. Allele origin: germline.
Comment: The MYLK c.119G>A (p.Arg40Gln) variant, to our knowledge, has not been reported in the medical literature. The highest population minor allele frequency in the population database genome aggregation database (v.2.1.1) is 0.05% in the other populations. This variant was reported in the ClinVar database as a variant of uncertain significance by seven submitters (ClinVar ID: 374965). Computational predictors indicated that this variant has no impact on MYLK function. Due to limited information and based on ACMG/AMP guidelines for variant interpretation (Richards S et al., PMID: 25741868), the clinical significance of this variant is uncertain at this time.

Ambry Genetics
Classification: Uncertain significance for Familial thoracic aortic aneurysm and aortic dissection. Last evaluated: 2024-08-14. Review status: criteria provided, single submitter. Criteria: Ambry Variant Classification Scheme 2023. Collection method: clinical testing. Allele origin: germline.
Comment: The p.R40Q variant (also known as c.119G>A), located in coding exon 1 of the MYLK gene, results from a G to A substitution at nucleotide position 119. The arginine at codon 40 is replaced by glutamine, an amino acid with highly similar properties. This amino acid position is highly conserved in available vertebrate species. In addition, this alteration is predicted to be tolerated by in silico analysis. Based on the available evidence, the clinical significance of this variant remains unclear.

GeneDx
Classification: Uncertain significance. Last evaluated: 2024-05-29. Review status: criteria provided, single submitter. Criteria: GeneDx Variant Classification Process June 2021. Collection method: clinical testing. Allele origin: germline. Affected: yes.
Comment: Has not been previously published as pathogenic or benign to our knowledge; In silico analysis indicates that this missense variant does not alter protein structure/function

Revvity Omics, Revvity
Classification: Uncertain significance. Last evaluated: 2022-04-01. Review status: criteria provided, single submitter. Criteria: ACMG Guidelines, 2015. Collection method: clinical testing. Allele origin: germline.

Illumina Laboratory Services, Illumina
Classification: Uncertain significance for Aortic aneurysm, familial thoracic 7. Last evaluated: 2018-01-13. Review status: criteria provided, single submitter. Criteria: ICSL Variant Classification Criteria 13 December 2019. Collection method: clinical testing. Allele origin: germline.

Center for Human Genetics, Inc
Classification: Uncertain significance for Connective tissue disorder. Last evaluated: 2016-11-01. Review status: criteria provided, single submitter. Criteria: ACMG Guidelines, 2015. Collection method: clinical testing. Allele origin: germline. Affected: yes.

Knight Diagnostic Laboratories, Oregon Health and Sciences University
Classification: Uncertain significance for Aortic aneurysm, familial thoracic 7. Last evaluated: 2015-09-26. Review status: no assertion criteria provided. Criteria: ACMG Guidelines, 2015. Collection method: clinical testing. Allele origin: germline. Affected: no. Study: CSER-NextGen. Not counted in ClinVar's aggregate classification.

NM_053025.4(MYLK):c.119G>A (p.Arg40Gln)

Gene: MYLK (myosin light chain kinase; minus strand). Cytogenetic location: 3q21.1.
Variant type: single nucleotide variant.
Coding change: c.119G>A on transcript NM_053025.4 (MANE Select); coding-DNA position 119, G replaced by A.
Protein change: p.Arg40Gln; replaces arginine 40 with glutamine.
Molecular consequence: missense variant. On other transcripts: 5 prime UTR variant (1).
Genome position (GRCh38, 1-based): chr3:123,793,723, C>T on the plus strand (G>A on the coding strand, the complement: MYLK is on the minus strand). VCF-style: chr3-123793723-C-T. GRCh37 (hg19) VCF-style: chr3-123512570-C-T.
Other names: c.-202G>A (NM_001321309.2); c.119G>A, p.Arg40Gln (NM_053026.4, NM_053027.4, NM_053028.4); short protein forms R40Q.
Identifiers: ClinVar variation 374965 (VCV000374965.22), dbSNP rs767877538, ClinGen allele CA066811.